The following is an entry in ClinVar:

ClinVar aggregate classification (germline): Conflicting classifications of pathogenicity. Review status: criteria provided, conflicting classifications (1 of 4 stars). 2 submissions from 2 submitters: Uncertain significance (1); Likely benign (1). Last evaluated 2025-06-13.

Conditions:
VCAN-related disorder. Also called: VCAN-related condition.

Allele frequency attached by ClinVar (database versions not stated): TOPMed 0.00002; gnomAD 0.00003.
gnomAD v4.1: 33 of 1,613,930 alleles (0.002%); highest among the groups gnomAD compares: Admixed American, 0.052%; no homozygotes.

Submissions (2):

PreventionGenetics, part of Exact Sciences
Classification: Likely benign for VCAN-related condition. Last evaluated: 2025-06-13. Review status: criteria provided, single submitter. Criteria: ACMG Guidelines, 2015. Collection method: clinical testing. Allele origin: germline.
Comment: This variant is classified as likely benign based on ACMG/AMP sequence variant interpretation guidelines (Richards et al. 2015 PMID: 25741868, with internal and published modifications).

Labcorp Genetics (formerly Invitae), Labcorp
Classification: Uncertain significance. Last evaluated: 2025-02-11. Review status: criteria provided, single submitter. Criteria: Invitae Variant Classification Sherloc (09022015). Collection method: clinical testing. Allele origin: germline.
Comment: This sequence change replaces threonine, which is neutral and polar, with asparagine, which is neutral and polar, at codon 1847 of the VCAN protein (p.Thr1847Asn). This variant is present in population databases (rs201704138, gnomAD 0.05%), and has an allele count higher than expected for a pathogenic variant. This variant has not been reported in the literature in individuals affected with VCAN-related conditions. ClinVar contains an entry for this variant (Variation ID: 1382999). An algorithm developed to predict the effect of missense changes on protein structure and function (PolyPhen-2) suggests that this variant is likely to be disruptive. In summary, the available evidence is currently insufficient to determine the role of this variant in disease. Therefore, it has been classified as a Variant of Uncertain Significance.

NM_004385.5(VCAN):c.5540C>A (p.Thr1847Asn)

Genes: VCAN (versican; plus strand), VCAN-AS1 (VCAN antisense RNA 1; minus strand). Cytogenetic location: 5q14.3.
Variant type: single nucleotide variant.
Coding change: c.5540C>A on transcript NM_004385.5 (MANE Select); coding-DNA position 5540, C replaced by A.
Protein change: p.Thr1847Asn; replaces threonine 1847 with asparagine.
Molecular consequence: missense variant. On other transcripts: intron variant (2).
Genome position (GRCh38, 1-based): chr5:83,538,543, C>A. VCF-style: chr5-83538543-C-A. GRCh37 (hg19) VCF-style: chr5-82834362-C-A.
Other names: c.2579C>A, p.Thr860Asn (NM_001164097.2); c.4004-6994C>A (NM_001164098.2); c.1043-6994C>A (NM_001126336.3); c.5540C>A (NM_004385.4); short protein forms T1847N, T860N.
Identifiers: ClinVar variation 1382999 (VCV001382999.9), dbSNP rs201704138, ClinGen allele CA3333342.